The following is an entry in ClinVar:

ClinVar aggregate classification (germline): Pathogenic (1 of 4 stars; one submission).

Conditions:
Autosomal recessive nonsyndromic hearing loss 49. Also called: Deafness, neurosensory, autosomal recessive 49. Identifiers: Orphanet 90636, MedGen C1857811, MONDO:0012420, OMIM 610153.

Submission:

Institute of Rare Diseases, West China Hospital, Sichuan University
Classification: Pathogenic for Autosomal recessive nonsyndromic hearing loss 49. Last evaluated: 2025-01-09. Review status: criteria provided, single submitter. Criteria: ClinGen HL ACMG Specifications v1. Collection method: research. Allele origin: germline. Affected: yes.
Comment: PVS1;PM3;PM2_Supporting

NM_001038603.3(MARVELD2):c.1399del (p.Ser467fs)

Gene: MARVELD2 (MARVEL domain containing 2; plus strand). Cytogenetic location: 5q13.2.
Variant type: Deletion.
Coding change: c.1399del on transcript NM_001038603.3 (MANE Select); coding-DNA position 1399, one base deleted (T; older notation c.1399delT).
Protein change: p.Ser467fs; shifts the reading frame from serine 467.
Molecular consequence: frameshift variant.
Genome position (GRCh38, 1-based): chr5:69,432,989, T deleted; the last of 4 consecutive T bases (chr5:69,432,986-69,432,989); deleting any one gives the same sequence. VCF-style (leftmost placement, unchanged base first): chr5-69432985-GT-G. GRCh37 (hg19) VCF-style: chr5-68728812-GT-G.
Other names: c.1363del, p.Ser455fs (NM_001244734.2); short protein forms S455fs, S467fs.
Identifiers: ClinVar variation 3601230 (VCV003601230.1).
Genomic context (GRCh38, chr5:69,432,985, plus strand): 5'-ATACCCTGTGATTCAGACAGATGATGAGCGAGAACGCTATAAAGCTGTGTTCCAAGACCA[GT>G]TTTCAGAGTACAAAGAGCTGTCTGCAGAAGTTCAGGCTGTCCTGAGGAAGTTTGATGAGC-3'